The following is an entry in ClinVar:

NM_016628.5(WAC):c.1815A>T (p.Leu605Phe)

Gene: WAC (WW domain containing adaptor with coiled-coil; plus strand). Cytogenetic location: 10p12.1.
Variant type: single nucleotide variant.
Coding change: c.1815A>T on transcript NM_016628.5 (MANE Select); coding-DNA position 1815, A replaced by T.
Protein change: p.Leu605Phe; replaces leucine 605 with phenylalanine.
Molecular consequence: missense variant.
Genome position (GRCh38, 1-based): chr10:28,617,725, A>T. VCF-style: chr10-28617725-A-T. GRCh37 (hg19) VCF-style: chr10-28906654-A-T.
Other names: c.1680A>T, p.Leu560Phe (NM_100264.3); c.1506A>T, p.Leu502Phe (NM_100486.4); short protein forms L502F, L560F, L605F.
Identifiers: ClinVar variation 3370023 (VCV003370023.2).

ClinVar aggregate classification (germline): Uncertain significance. Review status: criteria provided, multiple submitters, no conflicts (2 of 4 stars). 2 submissions from 2 submitters: Uncertain significance (2). Last evaluated 2025-12-10.

Conditions:
Inborn genetic diseases. Identifiers: MedGen C0950123, MeSH D030342.

gnomAD v4.1: 1 of 1,598,556 alleles (0.000063%); highest among the groups gnomAD compares: Middle Eastern, 0.017%; no homozygotes.

Submissions (2):

Ambry Genetics
Classification: Uncertain significance for Inborn genetic diseases. Last evaluated: 2025-12-10. Review status: criteria provided, single submitter. Criteria: Ambry Variant Classification Scheme 2023. Collection method: clinical testing. Allele origin: germline.

GeneDx
Classification: Uncertain significance. Last evaluated: 2023-12-22. Review status: criteria provided, single submitter. Criteria: GeneDx Variant Classification Process June 2021. Collection method: clinical testing. Allele origin: germline. Affected: yes.
Comment: Not observed at significant frequency in large population cohorts (gnomAD); In silico analysis supports that this missense variant has a deleterious effect on protein structure/function; Has not been previously published as pathogenic or benign to our knowledge